The following is an entry in ClinVar:

NM_013254.4(TBK1):c.1228G>A (p.Gly410Arg)

Gene: TBK1 (TANK binding kinase 1; plus strand). Cytogenetic location: 12q14.2.
Variant type: single nucleotide variant.
Coding change: c.1228G>A on transcript NM_013254.4 (MANE Select); coding-DNA position 1228, G replaced by A.
Protein change: p.Gly410Arg; replaces glycine 410 with arginine.
Molecular consequence: missense variant.
Genome position (GRCh38, 1-based): chr12:64,485,493, G>A. VCF-style: chr12-64485493-G-A. GRCh37 (hg19) VCF-style: chr12-64879273-G-A.
Other names: short protein forms G410R.
Identifiers: ClinVar variation 2184614 (VCV002184614.4), dbSNP rs1262765773, ClinGen allele CA385600817.

ClinVar aggregate classification (germline): Uncertain significance (1 of 4 stars; one submission).

Conditions:
Frontotemporal dementia and/or amyotrophic lateral sclerosis 4. Also called: FTDALS4. Identifiers: Orphanet 275872, MedGen C4225325, MONDO:0014641, OMIM 616439.

Allele frequency attached by ClinVar (database versions not stated): gnomAD 0.00001.
gnomAD v4.1: 8 of 1,557,132 alleles (0.00051%); highest among the groups gnomAD compares: South Asian, 0.0024%; no homozygotes.

Submission:

Labcorp Genetics (formerly Invitae), Labcorp
Classification: Uncertain significance for Frontotemporal dementia and/or amyotrophic lateral sclerosis 4. Last evaluated: 2022-07-23. Review status: criteria provided, single submitter. Criteria: Invitae Variant Classification Sherloc (09022015). Collection method: clinical testing. Allele origin: germline.
Comment: This variant is present in population databases (no rsID available, gnomAD 0.06%). This sequence change replaces glycine, which is neutral and non-polar, with arginine, which is basic and polar, at codon 410 of the TBK1 protein (p.Gly410Arg). Advanced modeling of protein sequence and biophysical properties (such as structural, functional, and spatial information, amino acid conservation, physicochemical variation, residue mobility, and thermodynamic stability) performed at Invitae indicates that this missense variant is not expected to disrupt TBK1 protein function. This variant has not been reported in the literature in individuals affected with TBK1-related conditions. In summary, the available evidence is currently insufficient to determine the role of this variant in disease. Therefore, it has been classified as a Variant of Uncertain Significance.